The following is an entry in ClinVar:

NM_001031710.3(KLHL7):c.123A>G (p.Lys41=)

Gene: KLHL7 (kelch like family member 7; plus strand). Cytogenetic location: 7p15.3.
Variant type: single nucleotide variant.
Coding change: c.123A>G on transcript NM_001031710.3 (MANE Select); coding-DNA position 123, A replaced by G.
Protein change: p.Lys41=; no amino-acid change (lysine 41 retained).
Molecular consequence: synonymous variant. On other transcripts: 5 prime UTR variant (1), non-coding transcript variant (2).
Genome position (GRCh38, 1-based): chr7:23,123,779, A>G. VCF-style: chr7-23123779-A-G. GRCh37 (hg19) VCF-style: chr7-23163398-A-G.
Other names: c.123A>G (NM_001031710.2); c.123A>G, p.Lys41= (NM_001172428.2); c.-22A>G (NM_018846.5).
Identifiers: ClinVar variation 1125244 (VCV001125244.12), dbSNP rs149581781, ClinGen allele CA4186296.
Genomic context (GRCh38, chr7:23,123,779, plus strand): 5'-TATTGCCAAGCTAGGCTAGTGAGCCTCTTTTTATTTTATGTATTTTTCCTTTGATTAGAA[A>G]ACGTTGTGTGACGTGATCCTCATGGTCCAGGAAAGAAAGATACCTGCTCATCGTGTTGTT-3'
Protein context (NP_001026880.2, residues 31-51): MGVMNNMRKQ[Lys41=]TLCDVILMVQ

ClinVar aggregate classification (germline): Likely benign. Review status: criteria provided, multiple submitters, no conflicts (2 of 4 stars). 4 submissions from 4 submitters: Likely benign (4). Last evaluated 2025-11-12.

Conditions:
KLHL7-related disorder. Also called: KLHL7-related disorders; KLHL7-related condition.

Allele frequency attached by ClinVar (database versions not stated): gnomAD exomes 0.00003 and 0.00008; ExAC 0.00014; gnomAD 0.00019; TOPMed 0.00023; 1000 Genomes Project 0.00060; 1000 Genomes Project 30x 0.00062; ESP Exome Variant Server 0.00062.
gnomAD v4.1: 71 of 1,610,524 alleles (0.0044%); highest among the groups gnomAD compares: African/African-American, 0.081%; no homozygotes.

Submissions (4):

PreventionGenetics, part of Exact Sciences
Classification: Likely benign for KLHL7-related condition. Last evaluated: 2025-11-12. Review status: criteria provided, single submitter. Criteria: ACMG Guidelines, 2015. Collection method: clinical testing. Allele origin: germline.
Comment: This variant is classified as likely benign based on ACMG/AMP sequence variant interpretation guidelines (Richards et al. 2015 PMID: 25741868, with internal and published modifications).

Labcorp Genetics (formerly Invitae), Labcorp
Classification: Likely benign. Last evaluated: 2025-08-19. Review status: criteria provided, single submitter. Criteria: Invitae Variant Classification Sherloc (09022015). Collection method: clinical testing. Allele origin: germline.

Blueprint Genetics
Classification: Likely benign. Last evaluated: 2024-03-05. Review status: criteria provided, single submitter. Criteria: ACMG Guidelines, 2015. Collection method: clinical testing. Allele origin: germline.

Breakthrough Genomics
Classification: Likely benign. Review status: criteria provided, single submitter. Criteria: ACMG Guidelines, 2015. Collection method: not provided. Allele origin: germline. Inheritance: Autosomal recessive inheritance. Affected: yes.